The following is an entry in ClinVar:

ClinVar aggregate classification (germline): Uncertain significance. Review status: criteria provided, multiple submitters, no conflicts (2 of 4 stars). 3 submissions from 3 submitters: Uncertain significance (3). Last evaluated 2026-05-05.

Conditions:
PCNT-related disorder. Also called: PCNT-related condition.
Inborn genetic diseases. Identifiers: MedGen C0950123, MeSH D030342.

Allele frequency attached by ClinVar (database versions not stated): gnomAD 0.00001; TOPMed 0.00001.
gnomAD v4.1: 8 of 1,614,016 alleles (0.0005%); highest among the groups gnomAD compares: Admixed American, 0.012%; no homozygotes.

Submissions (3):

PreventionGenetics, part of Exact Sciences
Classification: Uncertain significance for PCNT-related condition. Last evaluated: 2026-05-05. Review status: criteria provided, single submitter. Criteria: ACMG Guidelines, 2015. Collection method: clinical testing. Allele origin: germline.
Comment: The PCNT c.9326T>G variant is predicted to result in the amino acid substitution p.Leu3109Arg. To our knowledge, this variant has not been reported in the literature. This variant is reported in 0.014% of alleles in individuals of Latino descent in gnomAD. At this time, the clinical significance of this variant is uncertain due to the absence of conclusive functional and genetic evidence.

Ambry Genetics
Classification: Uncertain significance for Inborn genetic diseases. Last evaluated: 2025-06-29. Review status: criteria provided, single submitter. Criteria: Ambry Variant Classification Scheme 2023. Collection method: clinical testing. Allele origin: germline.

Women's Health and Genetics/Laboratory Corporation of America, LabCorp
Classification: Uncertain significance. Last evaluated: 2024-10-01. Review status: criteria provided, single submitter. Criteria: LabCorp Variant Classification Summary - May 2015. Collection method: clinical testing. Allele origin: germline.
Comment: Variant summary: PCNT c.9326T>G (p.Leu3109Arg) results in a non-conservative amino acid change in the encoded protein sequence. Four of five in-silico tools predict a benign effect of the variant on protein function. The variant allele was found at a frequency of 1.6e-05 in 251094 control chromosomes. The available data on variant occurrences in the general population are insufficient to allow any conclusion about variant significance. To our knowledge, no occurrence of c.9326T>G in individuals affected with Microcephalic Osteodysplastic Primordial Dwarfism Type II and no experimental evidence demonstrating its impact on protein function have been reported. ClinVar contains an entry for this variant (Variation ID: 2634469). Based on the evidence outlined above, the variant was classified as uncertain significance.

NM_006031.6(PCNT):c.9326T>G (p.Leu3109Arg)

Gene: PCNT (pericentrin; plus strand). Cytogenetic location: 21q22.3.
Variant type: single nucleotide variant.
Coding change: c.9326T>G on transcript NM_006031.6 (MANE Select); coding-DNA position 9326, T replaced by G.
Protein change: p.Leu3109Arg; replaces leucine 3109 with arginine.
Molecular consequence: missense variant.
Genome position (GRCh38, 1-based): chr21:46,440,135, T>G. VCF-style: chr21-46440135-T-G. GRCh37 (hg19) VCF-style: chr21-47860048-T-G.
Other names: c.8735T>G, p.Leu2912Arg (NM_001315529.2); short protein forms L2912R, L3109R.
Identifiers: ClinVar variation 2634469 (VCV002634469.6), dbSNP rs761557744, ClinGen allele CA410577385.